The following is an entry in ClinVar:

NM_001142800.2(EYS):c.4010A>G (p.His1337Arg)

Gene: EYS (EGF-like photoreceptor maintenance factor; minus strand). Cytogenetic location: 6q12.
Variant type: single nucleotide variant.
Coding change: c.4010A>G on transcript NM_001142800.2 (MANE Select); coding-DNA position 4010, A replaced by G.
Protein change: p.His1337Arg; replaces histidine 1337 with arginine.
Molecular consequence: missense variant.
Genome position (GRCh38, 1-based): chr6:64,591,857, T>C on the plus strand (A>G on the coding strand, the complement: EYS is on the minus strand). VCF-style: chr6-64591857-T-C. GRCh37 (hg19) VCF-style: chr6-65301750-T-C.
Other names: c.4010A>G, p.His1337Arg (NM_001292009.2); c.4010A>G (NM_001142800.1); short protein forms H1337R.
Identifiers: ClinVar variation 1013815 (VCV001013815.10), dbSNP rs1766422531, ClinGen allele CA364784231.

ClinVar aggregate classification (germline): Uncertain significance. Review status: criteria provided, multiple submitters, no conflicts (2 of 4 stars). 2 submissions from 2 submitters: Uncertain significance (2). Last evaluated 2023-08-07.

Conditions:
Inborn genetic diseases. Identifiers: MedGen C0950123, MeSH D030342.

Submissions (2):

Ambry Genetics
Classification: Uncertain significance for Inborn genetic diseases. Last evaluated: 2023-08-07. Review status: criteria provided, single submitter. Criteria: Ambry Variant Classification Scheme 2023. Collection method: clinical testing. Allele origin: germline.

Labcorp Genetics (formerly Invitae), Labcorp
Classification: Uncertain significance. Last evaluated: 2020-08-07. Review status: criteria provided, single submitter. Criteria: Invitae Variant Classification Sherloc (09022015). Collection method: clinical testing. Allele origin: germline.
Comment: This variant is not present in population databases (ExAC no frequency). This variant has not been reported in the literature in individuals with EYS-related conditions. Algorithms developed to predict the effect of missense changes on protein structure and function output the following: SIFT: "Tolerated"; PolyPhen-2: "Benign"; Align-GVGD: "Class C0". The arginine amino acid residue is found in multiple mammalian species, suggesting that this missense change does not adversely affect protein function. These predictions have not been confirmed by published functional studies and their clinical significance is uncertain. This sequence change replaces histidine with arginine at codon 1337 of the EYS protein (p.His1337Arg). The histidine residue is weakly conserved and there is a small physicochemical difference between histidine and arginine. In summary, the available evidence is currently insufficient to determine the role of this variant in disease. Therefore, it has been classified as a Variant of Uncertain Significance.